The following is an entry in ClinVar:

ClinVar aggregate classification (germline): Uncertain significance. Review status: criteria provided, multiple submitters, no conflicts (2 of 4 stars). 2 submissions from 2 submitters: Uncertain significance (2). Last evaluated 2022-06-13.

Conditions:
Autosomal recessive limb-girdle muscular dystrophy type 2D (LGMDR3). Also called: MUSCULAR DYSTROPHY, LIMB-GIRDLE, AUTOSOMAL RECESSIVE 3; DUCHENNE-LIKE AUTOSOMAL RECESSIVE MUSCULAR DYSTROPHY, TYPE 2; ADHALINOPATHY, PRIMARY. Identifiers: Orphanet 62, MedGen C2936332, MONDO:0011968, OMIM 608099. Disease mechanism: Affects gamma-sarcoglycan and also disrupts the integrity of the entire sarcoglycan complex..

Allele frequency attached by ClinVar (database versions not stated): ExAC 0.00001; TOPMed 0.00001; gnomAD 0.00002; gnomAD exomes 0.00002.
gnomAD v4.1: 24 of 1,613,760 alleles (0.0015%); highest among the groups gnomAD compares: Middle Eastern, 0.016%; no homozygotes.

Submissions (2):

Labcorp Genetics (formerly Invitae), Labcorp
Classification: Uncertain significance for Autosomal recessive limb-girdle muscular dystrophy type 2D. Last evaluated: 2022-06-13. Review status: criteria provided, single submitter. Criteria: Invitae Variant Classification Sherloc (09022015). Collection method: clinical testing. Allele origin: germline.
Comment: This sequence change replaces glutamine, which is neutral and polar, with glutamic acid, which is acidic and polar, at codon 67 of the SGCA protein (p.Gln67Glu). This variant is present in population databases (rs753180048, gnomAD 0.003%). This variant has not been reported in the literature in individuals affected with SGCA-related conditions. Algorithms developed to predict the effect of missense changes on protein structure and function (SIFT, PolyPhen-2, Align-GVGD) all suggest that this variant is likely to be tolerated. Algorithms developed to predict the effect of sequence changes on RNA splicing suggest that this variant may disrupt the consensus splice site. In summary, the available evidence is currently insufficient to determine the role of this variant in disease. Therefore, it has been classified as a Variant of Uncertain Significance.

Revvity Omics, Revvity
Classification: Uncertain significance for Autosomal recessive limb-girdle muscular dystrophy type 2D. Last evaluated: 2019-05-09. Review status: criteria provided, single submitter. Criteria: ACMG Guidelines, 2015. Collection method: clinical testing. Allele origin: germline.

NM_000023.4(SGCA):c.199C>G (p.Gln67Glu)

Gene: SGCA (sarcoglycan alpha; plus strand). Cytogenetic location: 17q21.33.
Variant type: single nucleotide variant.
Coding change: c.199C>G on transcript NM_000023.4 (MANE Select); coding-DNA position 199, C replaced by G.
Protein change: p.Gln67Glu; replaces glutamine 67 with glutamic acid.
Molecular consequence: missense variant. On other transcripts: non-coding transcript variant (1).
Genome position (GRCh38, 1-based): chr17:50,167,623, C>G. VCF-style: chr17-50167623-C-G. GRCh37 (hg19) VCF-style: chr17-48244984-C-G.
Other names: c.199C>G, p.Gln67Glu (NM_001135697.3); short protein forms Q67E.
Identifiers: ClinVar variation 1386581 (VCV001386581.5), dbSNP rs753180048, ClinGen allele CA8643732.
Genomic context (GRCh38, chr17:50,167,623, plus strand): 5'-CTCTCCTCGCTTCCACCAGCTGTCCCACCCGCTGTCCACATCACCTACCACGCCCACCTC[C>G]AGGGACACCCAGACCTGCCCCGGTGGCTCCGCTACACCCAGCGCAGCCCCCACCACCCTG-3'
Protein context (NP_000014.1, residues 57-77): AVHITYHAHL[Gln67Glu]GHPDLPRWLR